The following is an entry in ClinVar:

ClinVar aggregate classification (germline): Pathogenic (1 of 4 stars; one submission).

Conditions:
Wilson disease (WND). Also called: Wilson's disease. Identifiers: Orphanet 905, MedGen C0019202, MONDO:0010200, OMIM 277900. Disease mechanism: loss of function.

Submission:

Labcorp Genetics (formerly Invitae), Labcorp
Classification: Pathogenic for Wilson disease. Last evaluated: 2022-04-08. Review status: criteria provided, single submitter. Criteria: Invitae Variant Classification Sherloc (09022015). Collection method: clinical testing. Allele origin: germline.
Comment: For these reasons, this variant has been classified as Pathogenic. This variant has not been reported in the literature in individuals affected with ATP7B-related conditions. This variant is not present in population databases (gnomAD no frequency). This sequence change creates a premature translational stop signal (p.Met152Hisfs*11) in the ATP7B gene. It is expected to result in an absent or disrupted protein product. Loss-of-function variants in ATP7B are known to be pathogenic (PMID: 10441329, 16283883).

Literature cited by the submitters: PubMed 10441329; PubMed 16283883.

NM_000053.4(ATP7B):c.453dup (p.Met152fs)

Gene: ATP7B (ATPase copper transporting beta; minus strand). Cytogenetic location: 13q14.3.
Variant type: Duplication.
Coding change: c.453dup on transcript NM_000053.4 (MANE Select); coding-DNA position 453, one base duplicated (C; older notation c.453dupC).
Protein change: p.Met152fs; shifts the reading frame from methionine 152.
Molecular consequence: frameshift variant.
Genome position (GRCh38, 1-based): chr13:51,974,767, G duplicated on the plus strand (C on the coding strand, the reverse complement: ATP7B is on the minus strand). VCF-style (leftmost placement, unchanged base first): chr13-51974766-T-TG. GRCh37 (hg19) VCF-style: chr13-52548902-T-TG.
Other names: c.453dup, p.Met152Hisfs (NM_001406513.1, NM_001406514.1, NM_001406515.1 and 26 more transcripts); c.357dup, p.Met120Hisfs (NM_001406517.1, NM_001406518.1, NM_001406530.1 and 4 more transcripts); c.453dup, p.Met152fs (NM_001005918.3, NM_001243182.2, NM_001330578.2 and 1 more transcripts); short protein forms M152fs.
Identifiers: ClinVar variation 2122919 (VCV002122919.4), dbSNP rs2547822680, ClinGen allele CA2580087701.